The following is an entry in ClinVar:

ClinVar aggregate classification (germline): Pathogenic (1 of 4 stars; one submission).

Submission:

Labcorp Genetics (formerly Invitae), Labcorp
Classification: Pathogenic. Last evaluated: 2023-07-17. Review status: criteria provided, single submitter. Criteria: Invitae Variant Classification Sherloc (09022015). Collection method: clinical testing. Allele origin: germline.
Comment: For these reasons, this variant has been classified as Pathogenic. This variant has not been reported in the literature in individuals affected with CYP11A1-related conditions. This variant is present in population databases (rs779154292, gnomAD 0.006%). This sequence change creates a premature translational stop signal (p.Ile102Metfs*36) in the CYP11A1 gene. It is expected to result in an absent or disrupted protein product. Loss-of-function variants in CYP11A1 are known to be pathogenic (PMID: 15507506, 22435390, 27855232, 229968487).

Literature cited by the submitters: PubMed 15507506; PubMed 22435390; PubMed 27855232; PubMed 229968487.

NM_000781.3(CYP11A1):c.306del (p.Ile102fs)

Gene: CYP11A1 (cytochrome P450 family 11 subfamily A member 1; minus strand). Cytogenetic location: 15q24.1.
Variant type: Deletion.
Coding change: c.306del on transcript NM_000781.3 (MANE Select); coding-DNA position 306, one base deleted (C; older notation c.306delC).
Protein change: p.Ile102fs; shifts the reading frame from isoleucine 102.
Molecular consequence: frameshift variant. On other transcripts: 5 prime UTR variant (1).
Genome position (GRCh38, 1-based): chr15:74,348,019, G deleted on the plus strand (C on the coding strand, the reverse complement: CYP11A1 is on the minus strand). VCF-style (leftmost placement, unchanged base first): chr15-74348018-CG-C. GRCh37 (hg19) VCF-style: chr15-74640359-CG-C.
Other names: c.-169del (NM_001099773.2); short protein forms I102fs.
Identifiers: ClinVar variation 3669223 (VCV003669223.1).